The following is an entry in ClinVar:

ClinVar aggregate classification (germline): Conflicting classifications of pathogenicity. Review status: criteria provided, conflicting classifications (1 of 4 stars). 5 submissions from 5 submitters: Uncertain significance (1); Likely benign (3). 1 of the submissions does not count toward it. Last evaluated 2026-01-26.

Conditions:
MCCC2-related disorder. Also called: MCCC2-related condition.
3-methylcrotonyl-CoA carboxylase 2 deficiency. Also called: 3 alpha methylcrotonyl-CoA carboxylase 2 deficiency; 3 alpha methylcrotonylglycinuria 2; MCC 2 deficiency; Methylcrotonylglycinuria type 2; METHYLCROTONYLGLYCINURIA, TYPE II. Identifiers: Orphanet 6, MedGen C1859499, MONDO:0008862, OMIM 210210.

Allele frequency attached by ClinVar (database versions not stated): ExAC 0.00066; gnomAD 0.00247 and 0.00266; ESP Exome Variant Server 0.00269; TOPMed 0.00278; 1000 Genomes Project 0.00280; 1000 Genomes Project 30x 0.00281.
gnomAD v4.1: 712 of 1,614,198 alleles (0.044%); highest among the groups gnomAD compares: African/African-American, 0.85%; 6 homozygotes.

Submissions (8):

Labcorp Genetics (formerly Invitae), Labcorp
Classification: Likely benign for 3-methylcrotonyl-CoA carboxylase 2 deficiency. Last evaluated: 2026-01-26. Review status: criteria provided, single submitter. Criteria: Invitae Variant Classification Sherloc (09022015). Collection method: clinical testing. Allele origin: germline.

Revvity Omics, Revvity
Classification: Uncertain significance for 3-methylcrotonyl-CoA carboxylase 2 deficiency. Last evaluated: 2023-07-10. Review status: criteria provided, single submitter. Criteria: ACMG Guidelines, 2015. Collection method: clinical testing. Allele origin: germline.

GeneDx
Classification: Likely benign. Last evaluated: 2018-06-07. Review status: criteria provided, single submitter. Criteria: GeneDx Variant Classification Process June 2021. Collection method: clinical testing. Allele origin: germline. Affected: yes.

Breakthrough Genomics
Classification: Likely benign. Review status: criteria provided, single submitter. Criteria: ACMG Guidelines, 2015. Collection method: not provided. Allele origin: germline. Inheritance: Autosomal recessive inheritance. Affected: yes.

PreventionGenetics, part of Exact Sciences
Classification: Benign for MCCC2-related condition. Last evaluated: 2023-11-22. Review status: no assertion criteria provided. Collection method: clinical testing. Allele origin: germline. Not counted in ClinVar's aggregate classification.
Comment: This variant is classified as benign based on ACMG/AMP sequence variant interpretation guidelines (Richards et al. 2015 PMID: 25741868, with internal and published modifications).

Dr. Peter K. Rogan Lab, Western University
No classification provided (evidence only). Condition: Ovarian serous cystadenocarcinoma. Review status: no classification provided. Collection method: in vitro. Allele origin: not applicable. Functional consequence: retained intron. Not counted in ClinVar's aggregate classification.

Dr. Peter K. Rogan Lab, Western University
No classification provided (evidence only). Condition: Gastric cancer. Review status: no classification provided. Collection method: in vitro. Allele origin: not applicable. Functional consequence: retained intron. Not counted in ClinVar's aggregate classification.

Dr. Peter K. Rogan Lab, Western University
No classification provided (evidence only). Condition: Gastric cancer. Review status: no classification provided. Collection method: in vitro. Allele origin: not applicable. Functional consequence: retained intron. Not counted in ClinVar's aggregate classification.

NM_022132.5(MCCC2):c.1439A>G (p.Asn480Ser)

Gene: MCCC2 (methylcrotonyl-CoA carboxylase subunit 2; plus strand). Cytogenetic location: 5q13.2.
Variant type: single nucleotide variant.
Coding change: c.1439A>G on transcript NM_022132.5 (MANE Select); coding-DNA position 1439, A replaced by G.
Protein change: p.Asn480Ser; replaces asparagine 480 with serine.
Molecular consequence: missense variant.
Genome position (GRCh38, 1-based): chr5:71,650,134, A>G. VCF-style: chr5-71650134-A-G. GRCh37 (hg19) VCF-style: chr5-70945961-A-G.
Other names: c.1325A>G, p.Asn442Ser (NM_001363147.1); short protein forms N480S, N442S.
Identifiers: ClinVar variation 507090 (VCV000507090.19), dbSNP rs115328026, ClinGen allele CA3298149.
Genomic context (GRCh38, chr5:71,650,134, plus strand): 5'-GATTTCTCTACATTTGGCCAAATGCTCGTATCTCAGTGATGGGAGGAGAGCAGGCAGCCA[A>G]TGTGTTGGCCACGATAACAAAGGACCAAAGAGCCCGGGAAGGAAAGCAGGTCGGTGTCGT-3'
Protein context (NP_071415.1, residues 470-490): ISVMGGEQAA[Asn480Ser]VLATITKDQR